The following is an entry in ClinVar:

ClinVar aggregate classification (germline): Uncertain significance. Review status: criteria provided, multiple submitters, no conflicts (2 of 4 stars). 2 submissions from 2 submitters: Uncertain significance (2). Last evaluated 2025-12-22.

Conditions:
RASopathy. Also called: rasopathies; Noonan spectrum disorder. Identifiers: Orphanet 536391, MedGen C5555857, MONDO:0021060.
Cardiovascular phenotype. Identifiers: MedGen CN230736.

Allele frequency attached by ClinVar (database versions not stated): gnomAD exomes below 0.00001.
gnomAD v4.1: 2 of 1,614,112 alleles (0.00012%); highest among the groups gnomAD compares: South Asian, 0.0011%; no homozygotes.

Submissions (2):

Labcorp Genetics (formerly Invitae), Labcorp
Classification: Uncertain significance for RASopathy. Last evaluated: 2025-12-22. Review status: criteria provided, single submitter. Criteria: Invitae Variant Classification Sherloc (09022015). Collection method: clinical testing. Allele origin: germline.
Comment: This sequence change replaces valine, which is neutral and non-polar, with isoleucine, which is neutral and non-polar, at codon 68 of the SHOC2 protein (p.Val68Ile). This variant is present in population databases (no rsID available, gnomAD 0.003%). This variant has not been reported in the literature in individuals affected with SHOC2-related conditions. ClinVar contains an entry for this variant (Variation ID: 1784741). Invitae Evidence Modeling of protein sequence and biophysical properties (such as structural, functional, and spatial information, amino acid conservation, physicochemical variation, residue mobility, and thermodynamic stability) indicates that this missense variant is not expected to disrupt SHOC2 protein function with a negative predictive value of 80%. In summary, the available evidence is currently insufficient to determine the role of this variant in disease. Therefore, it has been classified as a Variant of Uncertain Significance.

Ambry Genetics
Classification: Uncertain significance for Cardiovascular phenotype. Last evaluated: 2022-04-25. Review status: criteria provided, single submitter. Criteria: Ambry Variant Classification Scheme 2023. Collection method: clinical testing. Allele origin: germline.
Comment: The p.V68I variant (also known as c.202G>A), located in coding exon 1 of the SHOC2 gene, results from a G to A substitution at nucleotide position 202. The valine at codon 68 is replaced by isoleucine, an amino acid with highly similar properties. This amino acid position is conserved. In addition, the in silico prediction for this alteration is inconclusive. Since supporting evidence is limited at this time, the clinical significance of this alteration remains unclear.

NM_007373.4(SHOC2):c.202G>A (p.Val68Ile)

Gene: SHOC2 (SHOC2 leucine rich repeat scaffold protein; plus strand). Cytogenetic location: 10q25.2.
Variant type: single nucleotide variant.
Coding change: c.202G>A on transcript NM_007373.4 (MANE Select); coding-DNA position 202, G replaced by A.
Protein change: p.Val68Ile; replaces valine 68 with isoleucine.
Molecular consequence: missense variant.
Genome position (GRCh38, 1-based): chr10:110,964,560, G>A. VCF-style: chr10-110964560-G-A. GRCh37 (hg19) VCF-style: chr10-112724318-G-A.
Other names: c.202G>A, p.Val68Ile (NM_001269039.3, NM_001324336.2, NM_001324337.2); short protein forms V68I.
Identifiers: ClinVar variation 1784741 (VCV001784741.3), dbSNP rs1264314996, ClinGen allele CA378382452.
Genomic context (GRCh38, chr10:110,964,560, plus strand): 5'-AAAGATGCCAAAGATGGAAAGAAGGACTCCAGTGCTGCCCAACCAGGGGTGGCATTTTCA[G>A]TTGACAATACGATCAAACGGCCAAACCCAGCACCTGGGACTAGAAAAAAATCCAGCAATG-3'
Protein context (NP_031399.2, residues 58-78): SAAQPGVAFS[Val68Ile]DNTIKRPNPA